The following is an entry in ClinVar:

NM_001692.4(ATP6V1B1):c.1375C>T (p.Gln459Ter)

Gene: ATP6V1B1 (ATPase H+ transporting V1 subunit B1; plus strand). Cytogenetic location: 2p13.3.
Variant type: single nucleotide variant.
Coding change: c.1375C>T on transcript NM_001692.4 (MANE Select); coding-DNA position 1375, C replaced by T.
Protein change: p.Gln459Ter; replaces glutamine 459 with a stop codon.
Molecular consequence: nonsense.
Genome position (GRCh38, 1-based): chr2:70,964,862, C>T. VCF-style: chr2-70964862-C-T. GRCh37 (hg19) VCF-style: chr2-71191992-C-T.
Other names: short protein forms Q459*.
Identifiers: ClinVar variation 4734980 (VCV004734980.1).

ClinVar aggregate classification (germline): Pathogenic (1 of 4 stars; one submission).

Submission:

Labcorp Genetics (formerly Invitae), Labcorp
Classification: Pathogenic. Last evaluated: 2026-01-14. Review status: criteria provided, single submitter. Criteria: Invitae Variant Classification Sherloc (09022015). Collection method: clinical testing. Allele origin: germline.
Comment: This sequence change creates a premature translational stop signal (p.Gln459*) in the ATP6V1B1 gene. While this is not anticipated to result in nonsense mediated decay, it is expected to disrupt the last 55 amino acid(s) of the ATP6V1B1 protein. This variant is not present in population databases (gnomAD no frequency). This variant has not been reported in the literature in individuals affected with ATP6V1B1-related conditions. This variant disrupts a region of the ATP6V1B1 protein in which other variant(s) (p.Phe468Cysfs*20) have been determined to be pathogenic (PMID: 8651253, 18368028, 25164082). This suggests that this is a clinically significant region of the protein, and that variants that disrupt it are likely to be disease-causing. For these reasons, this variant has been classified as Pathogenic.

Literature cited by the submitters: PubMed 8651253; PubMed 18368028; PubMed 25164082.